The following is an entry in ClinVar:

ClinVar aggregate classification (germline): Uncertain significance (1 of 4 stars; one submission).

Allele frequency attached by ClinVar (database versions not stated): TOPMed 0.00001 and below 0.00001.

Submission:

GeneDx
Classification: Uncertain significance. Last evaluated: 2011-08-13. Review status: criteria provided, single submitter. Criteria: GeneDx Variant Classification (06012015). Collection method: clinical testing. Allele origin: germline. Affected: yes.
Comment: The Thr1456Lys variant in the ANK2 gene has not been reported previously as a disease-causing mutation nor as a benign polymorphism, to our knowledge. Thr1456Lys results in a non-conservative amino acid substitution of a neutral, polar Threonine with a positively charged Lysine at a residue that is not uniformly conserved across species, though variation is limited to other neutral amino acids. A mutation in a nearby codon, Glu1458Glu, has been reported in association with LQTS, but Gly1458Gly has also been identified with a low frequency in a cohort of individuals from the general population making it unclear if this is a functionally significant region of the protein. In silico analysis predicts Thr1456Lys likely has a benign effect on the protein structure/function. Nevertheless, the Thr1456Lys variant was not detected in up to 200 alleles from control individuals of Caucasian ancestry tested at GeneDx, indicating it is not a common benign variant in this population. In summary, with the clinical and molecular information available at this time, we cannot unequivocally determine whether the Thr1456Lys variant is a disease-causing mutation or a rare benign variant. The variant is found in LQT panel(s).

NM_001148.6(ANK2):c.4367C>A (p.Thr1456Lys)

Gene: ANK2 (ankyrin 2; plus strand). Cytogenetic location: 4q26.
Variant type: single nucleotide variant.
Coding change: c.4367C>A on transcript NM_001148.6 (MANE Select); coding-DNA position 4367, C replaced by A.
Protein change: p.Thr1456Lys; replaces threonine 1456 with lysine.
Molecular consequence: missense variant.
Genome position (GRCh38, 1-based): chr4:113,346,018, C>A. VCF-style: chr4-113346018-C-A. GRCh37 (hg19) VCF-style: chr4-114267174-C-A.
Other names: p.T1456K:ACA>AAA; c.4340C>A, p.Thr1447Lys (NM_001127493.3); c.4379C>A, p.Thr1460Lys (NM_001354225.2); c.4268C>A, p.Thr1423Lys (NM_001354228.2, NM_001354258.2); c.4346C>A, p.Thr1449Lys (NM_001354230.2); c.4409C>A, p.Thr1470Lys (NM_001354231.2, NM_001354242.2); c.4403C>A, p.Thr1468Lys (NM_001354232.2); c.4364C>A, p.Thr1455Lys (NM_001354235.2, NM_001354246.2, NM_001354265.2); and 32 more; short protein forms T1447K, T1456K, T1401K, T1423K, T1439K, T1446K, T1449K, T1455K.
Identifiers: ClinVar variation 190604 (VCV000190604.2), dbSNP rs786205736, ClinGen allele CA301066.